The following is an entry in ClinVar:

ClinVar aggregate classification (germline): Conflicting classifications of pathogenicity. Review status: criteria provided, conflicting classifications (1 of 4 stars). 4 submissions from 4 submitters: Uncertain significance (1); Likely benign (3). Last evaluated 2025-11-24.

Conditions:
Loeys-Dietz syndrome (LDS). Identifiers: Orphanet 60030, MedGen C2697932, MONDO:0018954.
Familial thoracic aortic aneurysm and aortic dissection (TAAD). Also called: Thoracic aortic aneurysms and dissections. Identifiers: Orphanet 91387, MedGen C4707243, MONDO:0019625.

Allele frequency attached by ClinVar (database versions not stated): gnomAD exomes below 0.00001.
gnomAD v4.1: 7 of 1,613,720 alleles (0.00043%); highest among the groups gnomAD compares: Admixed American, 0.0017%; no homozygotes.

Submissions (4):

Labcorp Genetics (formerly Invitae), Labcorp
Classification: Likely benign for Familial thoracic aortic aneurysm and aortic dissection. Last evaluated: 2025-11-24. Review status: criteria provided, single submitter. Criteria: Invitae Variant Classification Sherloc (09022015). Collection method: clinical testing. Allele origin: germline.

All of Us Research Program, National Institutes of Health
Classification: Likely benign for Loeys-Dietz syndrome. Last evaluated: 2023-07-10. Review status: criteria provided, single submitter. Criteria: ACMG Guidelines, 2015. Collection method: clinical testing. Allele origin: germline. Inheritance: Autosomal dominant inheritance. Observed: 1 variant allele, 1 heterozygote.
Comment: This study involves interpretation of variants in research participants for the purpose of population health screening. Participant phenotype was not available at the time of variant classification. Additional details can be found in publication PMID: 35346344, PMCID: PMC8962531

Color Diagnostics, LLC DBA Color Health
Classification: Likely benign for Familial thoracic aortic aneurysm and aortic dissection. Last evaluated: 2023-07-06. Review status: criteria provided, single submitter. Criteria: ACMG Guidelines, 2015. Collection method: clinical testing. Allele origin: germline.

Laboratorio de Genetica e Diagnostico Molecular, Hospital Israelita Albert Einstein
Classification: Uncertain significance. Last evaluated: 2021-09-10. Review status: criteria provided, single submitter. Criteria: ACMG Guidelines, 2015. Collection method: clinical testing. Allele origin: germline. Affected: yes.
Comment: ACMG classification criteria: PM2

NM_004612.4(TGFBR1):c.1287T>C (p.Tyr429=)

Gene: TGFBR1 (transforming growth factor beta receptor 1; plus strand). Cytogenetic location: 9q22.33.
Variant type: single nucleotide variant.
Coding change: c.1287T>C on transcript NM_004612.4 (MANE Select); coding-DNA position 1287, T replaced by C.
Protein change: p.Tyr429=; no amino-acid change (tyrosine 429 retained).
Molecular consequence: synonymous variant.
Genome position (GRCh38, 1-based): chr9:99,147,685, T>C. VCF-style: chr9-99147685-T-C. GRCh37 (hg19) VCF-style: chr9-101909967-T-C.
Other names: c.1056T>C, p.Tyr352= (NM_001130916.3); c.1299T>C, p.Tyr433= (NM_001306210.2).
Identifiers: ClinVar variation 1690433 (VCV001690433.7), dbSNP rs1324785971, ClinGen allele CA466435525.